The following is an entry in ClinVar:

ClinVar aggregate classification (germline): Uncertain significance (1 of 4 stars; one submission).

gnomAD v4.1: 7 of 1,613,808 alleles (0.00043%); highest among the groups gnomAD compares: African/African-American, 0.008%; no homozygotes.

Submission:

CeGaT Center for Human Genetics Tuebingen
Classification: Uncertain significance. Last evaluated: 2025-09-01. Review status: criteria provided, single submitter. Criteria: CeGaT Center For Human Genetics Tuebingen Variant Classification Criteria Version 2. Collection method: clinical testing. Allele origin: germline. Affected: yes. Observed: 1 variant allele.
Comment: CTNND1: PM2, BP4

NM_001085458.2(CTNND1):c.2348A>G (p.Asn783Ser)

Genes: CTNND1 (catenin delta 1; plus strand), TMX2-CTNND1 (TMX2-CTNND1 readthrough (NMD candidate); plus strand). Cytogenetic location: 11q12.1.
Variant type: single nucleotide variant.
Coding change: c.2348A>G on transcript NM_001085458.2 (MANE Select); coding-DNA position 2348, A replaced by G.
Protein change: p.Asn783Ser; replaces asparagine 783 with serine.
Molecular consequence: missense variant. On other transcripts: non-coding transcript variant (1).
Genome position (GRCh38, 1-based): chr11:57,809,379, A>G. VCF-style: chr11-57809379-A-G. GRCh37 (hg19) VCF-style: chr11-57576851-A-G.
Other names: c.2330A>G, p.Asn777Ser (NM_001085459.2, NM_001085460.2, NM_001085461.2 and 2 more transcripts); c.2045A>G, p.Asn682Ser (NM_001085463.2, NM_001085466.2); c.2027A>G, p.Asn676Ser (NM_001085464.2, NM_001085465.2, NM_001085467.2 and 3 more transcripts); c.2186A>G, p.Asn729Ser (NM_001206883.2, NM_001206884.2); c.2348A>G, p.Asn783Ser (NM_001206885.2); c.2168A>G, p.Asn723Ser (NM_001206886.2, NM_001206887.2, NM_001206888.2 and 2 more transcripts); short protein forms N676S, N682S, N723S, N729S, N777S, N783S.
Identifiers: ClinVar variation 4281500 (VCV004281500.7).
Genomic context (GRCh38, chr11:57,809,379, plus strand): 5'-AGCAGAACTCCTCTTGGAATTTCTCTGAGGACACTGTCATCTCTATTTTGAACACTATCA[A>G]CGAGGTTATCGCTGAGAACTTGGAGGCTGCCAAAAAGCTTCGAGAGACACAGGGTATTGA-3'
Protein context (NP_001078927.1, residues 773-793): DTVISILNTI[Asn783Ser]EVIAENLEAA